The following is an entry in ClinVar:

NM_015450.3(POT1):c.1151A>C (p.Lys384Thr)

Gene: POT1 (protection of telomeres 1; minus strand). Cytogenetic location: 7q31.33.
Variant type: single nucleotide variant.
Coding change: c.1151A>C on transcript NM_015450.3 (MANE Select); coding-DNA position 1151, A replaced by C.
Protein change: p.Lys384Thr; replaces lysine 384 with threonine.
Molecular consequence: missense variant. On other transcripts: non-coding transcript variant (3).
Genome position (GRCh38, 1-based): chr7:124,842,819, T>G on the plus strand (A>C on the coding strand, the complement: POT1 is on the minus strand). VCF-style: chr7-124842819-T-G. GRCh37 (hg19) VCF-style: chr7-124482873-T-G.
Other names: c.758A>C, p.Lys253Thr (NM_001042594.2); short protein forms K253T, K384T.
Identifiers: ClinVar variation 3572274 (VCV003572274.2).

ClinVar aggregate classification (germline): Uncertain significance. Review status: criteria provided, multiple submitters, no conflicts (2 of 4 stars). 2 submissions from 2 submitters: Uncertain significance (2). Last evaluated 2026-04-01.

Conditions:
Hereditary cancer-predisposing syndrome. Also called: Hereditary neoplastic syndrome; Tumor predisposition; Hereditary Cancer Syndrome; Neoplastic Syndromes, Hereditary. Identifiers: Orphanet 140162, MedGen C0027672, MeSH D009386, MONDO:0015356.

Submissions (2):

Ambry Genetics
Classification: Uncertain significance for Hereditary cancer-predisposing syndrome. Last evaluated: 2026-04-01. Review status: criteria provided, single submitter. Criteria: Ambry Variant Classification Scheme 2023. Collection method: clinical testing. Allele origin: germline.
Comment: The p.K384T variant (also known as c.1151A>C), located in coding exon 9 of the POT1 gene, results from an A to C substitution at nucleotide position 1151. The lysine at codon 384 is replaced by threonine, an amino acid with similar properties. This amino acid position is not well conserved in available vertebrate species. In addition, this alteration is predicted to be tolerated by in silico analysis. Based on the available evidence, the clinical significance of this variant remains unclear.

Quest Diagnostics Nichols Institute San Juan Capistrano
Classification: Uncertain significance. Last evaluated: 2024-07-11. Review status: criteria provided, single submitter. Criteria: Quest Diagnostics criteria. Collection method: clinical testing. Allele origin: unknown.
Comment: The POT1 c.1151A>C (p.Lys384Thr) variant has not been reported in individuals with POT1-related conditions in the published literature. It also has not been reported in large, multi-ethnic general populations (Genome Aggregation Database). Analysis of this variant using bioinformatics tools for the prediction of the effect of amino acid changes on protein structure and function yielded predictions that this variant is benign. Based on the available information, we are unable to determine the clinical significance of this variant.